The following is an entry in ClinVar:

NM_006416.5(SLC35A1):c.7G>T (p.Ala3Ser)

Gene: SLC35A1 (solute carrier family 35 member A1; plus strand). Cytogenetic location: 6q15.
Variant type: single nucleotide variant.
Coding change: c.7G>T on transcript NM_006416.5 (MANE Select); coding-DNA position 7, G replaced by T.
Protein change: p.Ala3Ser; replaces alanine 3 with serine.
Molecular consequence: missense variant.
Genome position (GRCh38, 1-based): chr6:87,473,010, G>T. VCF-style: chr6-87473010-G-T. GRCh37 (hg19) VCF-style: chr6-88182728-G-T.
Other names: c.7G>T, p.Ala3Ser (NM_001168398.2); short protein forms A3S.
Identifiers: ClinVar variation 95393 (VCV000095393.16), dbSNP rs149903512, ClinGen allele CA222949.

ClinVar aggregate classification (germline): Conflicting classifications of pathogenicity. Review status: criteria provided, conflicting classifications (1 of 4 stars). 4 submissions from 4 submitters: Uncertain significance (1); Benign (3). Last evaluated 2026-01-25.

Conditions:
SLC35A1-congenital disorder of glycosylation. Also called: CONGENITAL DISORDER OF GLYCOSYLATION, TYPE IIf; CDG IIf; SLC35A1-CDG. Identifiers: Orphanet 238459, MedGen C1970344, MONDO:0011342, OMIM 603585.

Allele frequency attached by ClinVar (database versions not stated): gnomAD exomes 0.00364; 1000 Genomes Project 0.01358; ESP Exome Variant Server 0.01072; ExAC 0.01188; gnomAD 0.01248; 1000 Genomes Project 30x 0.01374; TOPMed 0.01433.

Submissions (4):

Labcorp Genetics (formerly Invitae), Labcorp
Classification: Benign for SLC35A1-congenital disorder of glycosylation. Last evaluated: 2026-01-25. Review status: criteria provided, single submitter. Criteria: Invitae Variant Classification Sherloc (09022015). Collection method: clinical testing. Allele origin: germline.

Eurofins Ntd Llc (ga)
Classification: Uncertain significance. Last evaluated: 2017-02-06. Review status: criteria provided, single submitter. Criteria: EGL Classification Definitions 2015. Collection method: clinical testing. Allele origin: germline. Observed: 1 variant allele, 1 heterozygote.

Center for Pediatric Genomic Medicine, Children's Mercy Hospital and Clinics
Classification: Benign. Last evaluated: 2016-10-11. Review status: criteria provided, single submitter. Criteria: ACMG Guidelines, 2015. Collection method: clinical testing. Allele origin: germline.

GeneDx
Classification: Benign. Last evaluated: 2016-02-22. Review status: criteria provided, single submitter. Criteria: GeneDx Variant Classification (06012015). Collection method: clinical testing. Allele origin: germline. Affected: yes.
Comment: This variant is considered likely benign or benign based on one or more of the following criteria: it is a conservative change, it occurs at a poorly conserved position in the protein, it is predicted to be benign by multiple in silico algorithms, and/or has population frequency not consistent with disease.